The following is an entry in ClinVar:

ClinVar aggregate classification (germline): Benign/Likely benign. Review status: criteria provided, multiple submitters, no conflicts (2 of 4 stars). 5 submissions from 5 submitters: Benign (3); Likely benign (2). Last evaluated 2026-01-31.

Allele frequency attached by ClinVar (database versions not stated): ExAC 0.00068; 1000 Genomes Project 30x 0.00078; 1000 Genomes Project 0.00080; gnomAD exomes 0.00082 and 0.00185; gnomAD 0.00115 and 0.00118; TOPMed 0.00123; ESP Exome Variant Server 0.00146.
gnomAD v4.1: 2,836 of 1,613,652 alleles (0.18%); highest among the groups gnomAD compares: Non-Finnish European, 0.23%; 3 homozygotes.

Submissions (5):

Labcorp Genetics (formerly Invitae), Labcorp
Classification: Benign. Last evaluated: 2026-01-31. Review status: criteria provided, single submitter. Criteria: Invitae Variant Classification Sherloc (09022015). Collection method: clinical testing. Allele origin: germline.

Blueprint Genetics
Classification: Likely benign. Last evaluated: 2024-10-16. Review status: criteria provided, single submitter. Criteria: ACMG Guidelines, 2015. Collection method: clinical testing. Allele origin: germline.

CeGaT Center for Human Genetics Tuebingen
Classification: Likely benign. Last evaluated: 2022-11-01. Review status: criteria provided, single submitter. Criteria: CeGaT Center For Human Genetics Tuebingen Variant Classification Criteria Version 2. Collection method: clinical testing. Allele origin: germline. Affected: yes. Observed: 2 variant alleles.
Comment: KMT2A: BP4, BP7, BS1

GeneDx
Classification: Benign. Last evaluated: 2019-07-22. Review status: criteria provided, single submitter. Criteria: GeneDx Variant Classification Process June 2021. Collection method: clinical testing. Allele origin: germline. Affected: yes.

Breakthrough Genomics
Classification: Benign. Review status: criteria provided, single submitter. Criteria: ACMG Guidelines, 2015. Collection method: not provided. Allele origin: germline. Inheritance: Autosomal dominant inheritance. Affected: yes.

NM_001197104.2(KMT2A):c.5631G>A (p.Ala1877=)

Gene: KMT2A (lysine methyltransferase 2A; plus strand). Cytogenetic location: 11q23.3.
Variant type: single nucleotide variant.
Coding change: c.5631G>A on transcript NM_001197104.2 (MANE Select); coding-DNA position 5631, G replaced by A.
Protein change: p.Ala1877=; no amino-acid change (alanine 1877 retained).
Molecular consequence: synonymous variant.
Genome position (GRCh38, 1-based): chr11:118,496,334, G>A. VCF-style: chr11-118496334-G-A. GRCh37 (hg19) VCF-style: chr11-118367049-G-A.
Other names: c.5622G>A, p.Ala1874= (NM_005933.4).
Identifiers: ClinVar variation 740290 (VCV000740290.39), dbSNP rs147764171, ClinGen allele CA6304086.